The following is an entry in ClinVar:

ClinVar aggregate classification (germline): Uncertain significance. Review status: reviewed by expert panel (3 of 4 stars). 5 submissions from 5 submitters: Uncertain significance (1). 4 of the submissions do not count toward it. Last evaluated 2026-11-06.

Conditions:
GUCY2D-related recessive retinopathy. Also called: Recessive GUCY2D retinopathy. Identifiers: MedGen CN305603, MONDO:0100453.
Leber congenital amaurosis 1 (LCA1). Also called: AMAUROSIS CONGENITA OF LEBER I; Congenital absence of the rods and cones; Leber's congenital tapetoretinal degeneration; Leber's congenital tapetoretinal dysplasia; RETINAL BLINDNESS, CONGENITAL. Identifiers: Orphanet 65, MedGen C2931258, MONDO:0008764, OMIM 204000.
Cone-rod dystrophy 6 (CORD6). Also called: Cone dystrophy progressive; RETINAL CONE DYSTROPHY 2. Identifiers: Orphanet 1872, MedGen C1866293, MONDO:0011143, OMIM 601777.

Allele frequency attached by ClinVar (database versions not stated): ExAC 0.00002; gnomAD exomes 0.00002 and 0.00003; TOPMed 0.00002; ESP Exome Variant Server 0.00008.
gnomAD v4.1: 55 of 1,613,426 alleles (0.0034%); highest among the groups gnomAD compares: Middle Eastern, 0.016%; no homozygotes.

Submissions (5):

ClinGen Leber Congenital Amaurosis/early Onset Retinal Dystrophy Variant Curation Expert Panel, ClinGen
Classification: Uncertain significance for GUCY2D-related recessive retinopathy. Last evaluated: 2026-11-06. Review status: reviewed by expert panel. Criteria: ClinGen LCAeoRD ACMG Specifications GUCY2D V1.0.0. Collection method: curation. Allele origin: germline. Inheritance: Autosomal recessive inheritance.
Comment: The NM_000180.4(GUCY2D):c.1720C>T (p.Arg574Cys) variant is located in exon eight and causes the replacement of arginine with a cysteine at residue p.574. This variant has been reported in at least 1 proband with early-onset severe retinal dystrophy who was compound heterozygous with the variant NM_000180.4(GUCY2D):c.3224+2T>A suspected in trans, which was previously classified pathogenic by the ClinGen LCA/eoRD VCEP (0.5 total points, PM3_Supporting). This variant is present in gnomAD v.4.1.2 at a total allele frequency of 0.00003409, with 55 alleles / 1613426 total alleles, which is lower than the ClinGen LCA/eoRD VCEP PM2_Supporting threshold of <0.0004 (PM2_Supporting). The computational predictor REVEL gives a score of 0.402, which is below the ClinGen LCA/eoRD VCEP threshold of ≥0.644 for PP3 and above the threshold of <0.290 for BP4. Additionally, the splicing impact predictor SpliceAI gives a score of 0.01 which predicts a low or indeterminate impact on splicing. Neither PP3 nor BP4 is met. At least one proband harboring this variant exhibits a phenotype including early onset cone-rod dystrophy (0.5 pts), with onset between birth and age five years (1pt), and was tested by a gene panel (2.0 pts) which are not sufficiently specific for GUCY2D-related recessive retinopathy to meet the PP4 code (3.5 points, Personal Communication). In summary, this variant meets the criteria to be classified as Variant of Uncertain Significance for GUCY2D-related recessive retinopathy based on the ACMG/AMP criteria applied, as specified by the ClinGen LCA/eoRD VCEP: PM2_Supporting, PM3_Supporting. (LCA/eoRD VCEP specifications version 1.0.0)

Labcorp Genetics (formerly Invitae), Labcorp
Classification: Uncertain significance for Leber congenital amaurosis 1; Cone-rod dystrophy 6. Last evaluated: 2025-10-15. Review status: criteria provided, single submitter. Criteria: Invitae Variant Classification Sherloc (09022015). Collection method: clinical testing. Allele origin: germline. Not counted in ClinVar's aggregate classification.
Comment: This sequence change replaces arginine, which is basic and polar, with cysteine, which is neutral and slightly polar, at codon 574 of the GUCY2D protein (p.Arg574Cys). This variant is present in population databases (rs137853897, gnomAD 0.007%). This missense change has been observed in individual(s) with clinical features of GUCY2D-related conditions (PMID: 22025579, 37895187). ClinVar contains an entry for this variant (Variation ID: 100553). Invitae Evidence Modeling of protein sequence and biophysical properties (such as structural, functional, and spatial information, amino acid conservation, physicochemical variation, residue mobility, and thermodynamic stability) indicates that this missense variant is not expected to disrupt GUCY2D protein function with a negative predictive value of 80%. In summary, the available evidence is currently insufficient to determine the role of this variant in disease. Therefore, it has been classified as a Variant of Uncertain Significance.

Blueprint Genetics
Classification: Uncertain significance. Last evaluated: 2023-06-28. Review status: criteria provided, single submitter. Criteria: ACMG Guidelines, 2015. Collection method: clinical testing. Allele origin: germline. Not counted in ClinVar's aggregate classification.

Eurofins Ntd Llc (ga)
Classification: Uncertain significance. Last evaluated: 2016-08-31. Review status: criteria provided, single submitter. Criteria: EGL Classification Definitions 2015. Collection method: clinical testing. Allele origin: germline. Observed: 1 variant allele, 1 heterozygote. Not counted in ClinVar's aggregate classification.

NEI Ophthalmic Genomics Laboratory, National Institutes of Health
No classification provided. Review status: no classification provided. Collection method: not provided. Allele origin: not provided. Not counted in ClinVar's aggregate classification.

Literature cited by the submitters: PubMed 22025579 (cited by Labcorp Genetics (formerly Invitae), Labcorp and Eurofins Ntd Llc (ga)); PubMed 37895187 (cited by Labcorp Genetics (formerly Invitae), Labcorp).

NM_000180.4(GUCY2D):c.1720C>T (p.Arg574Cys)

Gene: GUCY2D (guanylate cyclase 2D, retinal; plus strand). Cytogenetic location: 17p13.1.
Variant type: single nucleotide variant.
Coding change: c.1720C>T on transcript NM_000180.4 (MANE Select); coding-DNA position 1720, C replaced by T.
Protein change: p.Arg574Cys; replaces arginine 574 with cysteine.
Molecular consequence: missense variant.
Genome position (GRCh38, 1-based): chr17:8,009,557, C>T. VCF-style: chr17-8009557-C-T. GRCh37 (hg19) VCF-style: chr17-7912875-C-T.
Other names: NM_000180.4(GUCY2D):c.1720C>T; p.Arg574Cys; short protein forms R574C.
Identifiers: ClinVar variation 100553 (VCV000100553.12), dbSNP rs137853897, ClinGen allele CA228867.